The following is an entry in ClinVar:

NM_001371904.1(APOA5):c.888del (p.Ile296fs)

Gene: APOA5 (apolipoprotein A5; minus strand). Cytogenetic location: 11q23.3.
Variant type: Deletion.
Coding change: c.888del on transcript NM_001371904.1 (MANE Select); coding-DNA position 888, one base deleted (A; older notation c.888delA).
Protein change: p.Ile296fs; shifts the reading frame from isoleucine 296.
Molecular consequence: frameshift variant.
Genome position (GRCh38, 1-based): chr11:116,790,341, T deleted on the plus strand (A on the coding strand, the reverse complement: APOA5 is on the minus strand). VCF-style (leftmost placement, unchanged base first): chr11-116790340-CT-C. GRCh37 (hg19) VCF-style: chr11-116661056-CT-C.
Other names: c.888delA (NM_052968.4); c.888del, p.Ile296fs (NM_001166598.2, NM_052968.5); short protein forms I296fs.
Identifiers: ClinVar variation 1678133 (VCV001678133.9), dbSNP rs1477198098, ClinGen allele CA672155775.

ClinVar aggregate classification (germline): Conflicting classifications of pathogenicity. Review status: criteria provided, conflicting classifications (1 of 4 stars). 4 submissions from 4 submitters: Pathogenic (1); Likely pathogenic (2); Uncertain significance (1). Last evaluated 2025-10-07.

Conditions:
Cardiovascular phenotype. Identifiers: MedGen CN230736.

Allele frequency attached by ClinVar (database versions not stated): gnomAD exomes below 0.00001; gnomAD 0.00001; TOPMed 0.00002.

Submissions (4):

Labcorp Genetics (formerly Invitae), Labcorp
Classification: Uncertain significance. Last evaluated: 2025-10-07. Review status: criteria provided, single submitter. Criteria: Invitae Variant Classification Sherloc (09022015). Collection method: clinical testing. Allele origin: germline.
Comment: This sequence change creates a premature translational stop signal (p.Ile296Metfs*42) in the APOA5 gene. While this is not anticipated to result in nonsense mediated decay, it is expected to disrupt the last 71 amino acid(s) of the APOA5 protein. This variant is not present in population databases (gnomAD no frequency). This premature translational stop signal has been observed in individual(s) with clinical features of APOA5-related conditions (PMID: 32041611). ClinVar contains an entry for this variant (Variation ID: 1678133). In summary, the available evidence is currently insufficient to determine the role of this variant in disease. Therefore, it has been classified as a Variant of Uncertain Significance.

GeneDx
Classification: Pathogenic. Last evaluated: 2023-10-13. Review status: criteria provided, single submitter. Criteria: GeneDx Variant Classification Process June 2021. Collection method: clinical testing. Allele origin: germline.
Comment: Reported as part of a large study of dyslipidemia and metabolic disorders, but patient specific information was not provided (PMID: 32041611); Frameshift variant predicted to result in protein truncation, as the last 71 amino acids are replaced with 41 different amino acids, and other loss-of-function variants have been reported downstream in the Human Gene Mutation Database (HGMD); Not observed in large population cohorts (gnomAD); This variant is associated with the following publications: (PMID: 32041611)

Ambry Genetics
Classification: Likely pathogenic for Cardiovascular phenotype. Last evaluated: 2022-06-09. Review status: criteria provided, single submitter. Criteria: Ambry Variant Classification Scheme 2023. Collection method: clinical testing. Allele origin: germline.
Comment: The c.888delA variant, located in coding exon 3 of the APOA5 gene, results from a deletion of one nucleotide at nucleotide position 888, causing a translational frameshift with a predicted alternate stop codon (p.I296Mfs*42). This alteration occurs at the 3' terminus of theAPOA5 gene, is not expected to trigger nonsense-mediated mRNA decay, and impacts the last 12.2% of the protein. However, premature stop codons are typically deleterious in nature and a significant portion of the protein is affected (Ambry internal data). This variant is considered to be rare based on population cohorts in the Genome Aggregation Database (gnomAD). Based on the majority of available evidence to date, this variant is likely to be pathogenic.

AiLife Diagnostics
Classification: Likely pathogenic. Last evaluated: 2021-11-09. Review status: criteria provided, single submitter. Criteria: ACMG Guidelines, 2015. Collection method: clinical testing. Allele origin: germline. Affected: yes. Observed: 1 variant allele.

Literature cited by the submitters: PubMed 32041611 (cited by Labcorp Genetics (formerly Invitae), Labcorp and AiLife Diagnostics).